The following is an entry in ClinVar:

NM_001077418.3(TMEM231):c.232G>A (p.Asp78Asn)

Gene: TMEM231 (transmembrane protein 231; minus strand). Cytogenetic location: 16q23.1.
Variant type: single nucleotide variant.
Coding change: c.232G>A on transcript NM_001077418.3 (MANE Select); coding-DNA position 232, G replaced by A.
Protein change: p.Asp78Asn; replaces aspartic acid 78 with asparagine.
Molecular consequence: missense variant. On other transcripts: non-coding transcript variant (1).
Genome position (GRCh38, 1-based): chr16:75,555,881, C>T on the plus strand (G>A on the coding strand, the complement: TMEM231 is on the minus strand). VCF-style: chr16-75555881-C-T. GRCh37 (hg19) VCF-style: chr16-75589779-C-T.
Other names: c.391G>A, p.Asp131Asn (NM_001077416.2); short protein forms D78N, D131N.
Identifiers: ClinVar variation 1493132 (VCV001493132.9), dbSNP rs753709447, ClinGen allele CA396809083.
Genomic context (GRCh38, chr16:75,555,881, plus strand): 5'-GCAGGCGATCCCCTTGCAGCCGGTTGAAGGCGGGGAACGTGCTCCAGGCGAGGAACCCGT[C>T]GCTTTCGGGTCCGAGCAGGGCCACGAGCAGCACCTGGTGTTGGAAGCGCACGGTCGGCTG-3'
Protein context (NP_001070886.1, residues 68-88): LLVALLGPES[Asp78Asn]GFLAWSTFPA

ClinVar aggregate classification (germline): Uncertain significance. Review status: criteria provided, multiple submitters, no conflicts (2 of 4 stars). 2 submissions from 2 submitters: Uncertain significance (2). Last evaluated 2021-11-24.

Conditions:
Meckel syndrome, type 11 (MKS11). Identifiers: Orphanet 564, MedGen C3809352, MONDO:0014164, OMIM 615397.
Joubert syndrome 20 (JBTS20). Identifiers: Orphanet 475, MedGen C3554235, MONDO:0013994, OMIM 614970.

gnomAD v4.1: 2 of 1,593,616 alleles (0.00013%); highest among the groups gnomAD compares: Middle Eastern, 0.033%; 1 homozygote.

Submissions (2):

Blueprint Genetics
Classification: Uncertain significance. Last evaluated: 2021-11-24. Review status: criteria provided, single submitter. Criteria: ACMG Guidelines, 2015. Collection method: clinical testing. Allele origin: germline.

Labcorp Genetics (formerly Invitae), Labcorp
Classification: Uncertain significance for Joubert syndrome 20; Meckel syndrome, type 11. Last evaluated: 2021-02-04. Review status: criteria provided, single submitter. Criteria: Invitae Variant Classification Sherloc (09022015). Collection method: clinical testing. Allele origin: germline.
Comment: In summary, the available evidence is currently insufficient to determine the role of this variant in disease. Therefore, it has been classified as a Variant of Uncertain Significance. Algorithms developed to predict the effect of missense changes on protein structure and function are either unavailable or do not agree on the potential impact of this missense change (SIFT: "Tolerated"; PolyPhen-2: "Not Available"; Align-GVGD: "Class C0"). This variant has not been reported in the literature in individuals with TMEM231-related conditions. This variant is not present in population databases (ExAC no frequency). This sequence change replaces aspartic acid with asparagine at codon 131 of the TMEM231 protein (p.Asp131Asn). The aspartic acid residue is weakly conserved and there is a small physicochemical difference between aspartic acid and asparagine.